The following is an entry in ClinVar:

NM_001206927.2(DNAH8):c.8869C>T (p.Arg2957Cys)

Gene: DNAH8 (dynein axonemal heavy chain 8; plus strand). Cytogenetic location: 6p21.2.
Variant type: single nucleotide variant.
Coding change: c.8869C>T on transcript NM_001206927.2 (MANE Select); coding-DNA position 8869, C replaced by T.
Protein change: p.Arg2957Cys; replaces arginine 2957 with cysteine.
Molecular consequence: missense variant.
Genome position (GRCh38, 1-based): chr6:38,896,154, C>T. VCF-style: chr6-38896154-C-T. GRCh37 (hg19) VCF-style: chr6-38863930-C-T.
Other names: c.8218C>T, p.Arg2740Cys (NM_001371.4); short protein forms R2957C, R2740C.
Identifiers: ClinVar variation 407274 (VCV000407274.9), dbSNP rs143707632, ClinGen allele CA3790327.

ClinVar aggregate classification (germline): Uncertain significance. Review status: criteria provided, multiple submitters, no conflicts (2 of 4 stars). 2 submissions from 2 submitters: Uncertain significance (2). Last evaluated 2022-10-14.

Conditions:
Spermatogenic failure 46. Identifiers: MedGen C5436799, MONDO:0033673, OMIM 619095.
Primary ciliary dyskinesia. Also called: Ciliary dyskinesia. Identifiers: Orphanet 244, MedGen C0008780, MONDO:0016575, HP:0012265.

Allele frequency attached by ClinVar (database versions not stated): gnomAD exomes 0.00004 and 0.00015; 1000 Genomes Project 30x 0.00016; ExAC 0.00016; 1000 Genomes Project 0.00020; ESP Exome Variant Server 0.00031; gnomAD 0.00055 and 0.00059; TOPMed 0.00065.
gnomAD v4.1: 145 of 1,613,662 alleles (0.009%); highest among the groups gnomAD compares: African/African-American, 0.15%; no homozygotes.

Submissions (2):

Labcorp Genetics (formerly Invitae), Labcorp
Classification: Uncertain significance for Primary ciliary dyskinesia. Last evaluated: 2022-10-14. Review status: criteria provided, single submitter. Criteria: Invitae Variant Classification Sherloc (09022015). Collection method: clinical testing. Allele origin: germline.
Comment: This sequence change replaces arginine, which is basic and polar, with cysteine, which is neutral and slightly polar, at codon 2957 of the DNAH8 protein (p.Arg2957Cys). This variant is present in population databases (rs143707632, gnomAD 0.2%). This variant has not been reported in the literature in individuals affected with DNAH8-related conditions. ClinVar contains an entry for this variant (Variation ID: 407274). Algorithms developed to predict the effect of missense changes on protein structure and function output the following: SIFT: "Deleterious"; PolyPhen-2: "Not Available"; Align-GVGD: "Class C65". The cysteine amino acid residue is found in multiple mammalian species, which suggests that this missense change does not adversely affect protein function. In summary, the available evidence is currently insufficient to determine the role of this variant in disease. Therefore, it has been classified as a Variant of Uncertain Significance.

Revvity Omics, Revvity
Classification: Uncertain significance for Spermatogenic failure 46. Last evaluated: 2021-11-05. Review status: criteria provided, single submitter. Criteria: ACMG Guidelines, 2015. Collection method: clinical testing. Allele origin: germline.